The following is an entry in ClinVar:

NM_001242.5(CD27):c.441T>A (p.Tyr147Ter)

Genes: CD27 (CD27 molecule; plus strand), CD27-AS1 (CD27 antisense RNA 1; minus strand). Cytogenetic location: 12p13.31.
Variant type: single nucleotide variant.
Coding change: c.441T>A on transcript NM_001242.5 (MANE Select); coding-DNA position 441, T replaced by A.
Protein change: p.Tyr147Ter; replaces tyrosine 147 with a stop codon.
Molecular consequence: nonsense. On other transcripts: non-coding transcript variant (1).
Genome position (GRCh38, 1-based): chr12:6,450,345, T>A. VCF-style: chr12-6450345-T-A. GRCh37 (hg19) VCF-style: chr12-6559511-T-A.
Other names: c.534T>A, p.Tyr178Ter (NM_001413263.1); c.414T>A, p.Tyr138Ter (NM_001413264.1); c.-10T>A (NM_001413266.1, NM_001413267.1, NM_001413268.1); short protein forms Y138*, Y147*, Y178*.
Identifiers: ClinVar variation 1961237 (VCV001961237.2), dbSNP rs2498138493, ClinGen allele CA383550242.
Genomic context (GRCh38, chr12:6,450,345, plus strand): 5'-GCTGACCGCTCGGTCGTCTCAGGCCCTGAGCCCACACCCTCAGCCCACCCACTTACCTTA[T>A]GTCAGTGGTAAGTTCCAGGCAACTCTCTGTGCCATCACGTGGGGTAGCGGTGATACCCCA-3'

ClinVar aggregate classification (germline): Pathogenic (1 of 4 stars; one submission).

Conditions:
Lymphoproliferative syndrome 2 (LPFS2). Also called: CD27 DEFICIENCY; Combined immunodeficiency due to CD27 deficiency. Identifiers: Orphanet 238505, MedGen C3554540, MONDO:0014054, OMIM 615122.

Submission:

Labcorp Genetics (formerly Invitae), Labcorp
Classification: Pathogenic for Lymphoproliferative syndrome 2. Last evaluated: 2021-07-22. Review status: criteria provided, single submitter. Criteria: Invitae Variant Classification Sherloc (09022015). Collection method: clinical testing. Allele origin: germline.
Comment: This sequence change creates a premature translational stop signal (p.Tyr147*) in the CD27 gene. It is expected to result in an absent or disrupted protein product. Loss-of-function variants in CD27 are known to be pathogenic (PMID: 25843314). This variant is not present in population databases (ExAC no frequency). This variant has not been reported in the literature in individuals affected with CD27-related conditions. Algorithms developed to predict the effect of sequence changes on RNA splicing suggest that this variant may create or strengthen a splice site. For these reasons, this variant has been classified as Pathogenic.

Literature cited by the submitters: PubMed 25843314.